The following is an entry in ClinVar:

NM_001165963.4(SCN1A):c.1678C>T (p.Arg560Cys)

Gene: SCN1A (sodium voltage-gated channel alpha subunit 1; minus strand). Cytogenetic location: 2q24.3.
Variant type: single nucleotide variant.
Coding change: c.1678C>T on transcript NM_001165963.4 (MANE Select); coding-DNA position 1678, C replaced by T.
Protein change: p.Arg560Cys; replaces arginine 560 with cysteine.
Molecular consequence: missense variant. On other transcripts: 5 prime UTR variant (1), non-coding transcript variant (1).
Genome position (GRCh38, 1-based): chr2:166,044,034, G>A on the plus strand (C>T on the coding strand, the complement: SCN1A is on the minus strand). VCF-style: chr2-166044034-G-A. GRCh37 (hg19) VCF-style: chr2-166900544-G-A.
Other names: NM_001165963.4(SCN1A):c.1678C>T; p.Arg560Cys; c.1678C>T, p.Arg560Cys (NM_001165964.3, NM_001202435.3, NM_001353948.2 and 7 more transcripts); c.1675C>T, p.Arg559Cys (NM_001353954.2, NM_001353955.2, NM_001353960.2); c.-748C>T (NM_001353961.2); short protein forms R560C, R559C.
Identifiers: ClinVar variation 283885 (VCV000283885.19), dbSNP rs768764142, ClinGen allele CA1943263.
Genomic context (GRCh38, chr2:166,044,034, plus strand): 5'-GCCCTCTAAAGCTGAAAAGGCTTGTTCTGCTATTTCGCCTTGGTGAAAATAGGGAGCCAC[G>A]GATGCTCAACAAAGACTAGAAGTTTGAAAGAGCAAACAAATAAAGTCATATTAATATGGA-3'
Protein context (NP_001159435.1, residues 550-570): SSPHQSLLSI[Arg560Cys]GSLFSPRRNS

ClinVar aggregate classification (germline): Likely benign. Review status: reviewed by expert panel (3 of 4 stars). 6 submissions from 6 submitters: Likely benign (1). 5 of the submissions do not count toward it. Last evaluated 2024-09-03.

Conditions:
Inborn genetic diseases. Identifiers: MedGen C0950123, MeSH D030342.
Early-infantile DEE. Also called: Early infantile epileptic encephalopathy; Ohtahara syndrome; Early infantile epileptic encephalopathy with suppression bursts. Identifiers: Orphanet 1934, MedGen C0393706, MONDO:0800491.
Generalized epilepsy with febrile seizures plus. Also called: Generalized Epilepsy with Febrile Seizures Plus (GEFS+). Identifiers: Orphanet 36387, MedGen C3502809, MONDO:0018214.
Severe myoclonic epilepsy in infancy (DRVT). Also called: DEVELOPMENTAL AND EPILEPTIC ENCEPHALOPATHY 6A; Severe Myoclonic Epilepsy in Infancy (SMEI); SEVERE MYOCLONIC EPILEPSY OF INFANCY; Dravet syndrome; Epileptic encephalopathy, early infantile, 6 (Dravet syndrome). Identifiers: Orphanet 33069, MedGen C0751122, MONDO:0100135, OMIM 607208.

Allele frequency attached by ClinVar (database versions not stated): TOPMed 0.00002; gnomAD 0.00001 and 0.00003.
gnomAD v4.1: 33 of 1,613,962 alleles (0.002%); highest among the groups gnomAD compares: East Asian, 0.0067%; no homozygotes.

Submissions (6):

ClinGen Epilepsy Sodium Channel Variant Curation Expert Panel, Clingen
Classification: Likely benign for Generalized epilepsy with febrile seizures plus. Last evaluated: 2024-09-03. Review status: reviewed by expert panel. Criteria: ClinGen EpilepsySCN ACMG Specifications SCN1A V1.0.0. Collection method: curation. Allele origin: germline. Inheritance: Autosomal dominant inheritance.
Comment: The c.1678C>T (NM_001165963) variant in SCN1A is a missense variant predicted to cause substitution of arginine by cystine at amino acid 560. To our knowledge, this variant has not been reported in the literature in any individuals with SCN1A-related conditions. The highest population minor allele frequency in gnomAD v2.1 is 0.00015 in the European Finnish population, which is higher than the ClinGen Epilepsy Sodium Channel VCEP threshold (>0.0004%) for BS1, and therefore meets this criterion (BS1). The REVEL computational prediction analysis tool gives a score of 0.877, which is above the threshold of 0.773, evidence that correlates with impact to SCN1A function (PP3_mod). Another missense variant, c.1679G>A, (p.R560H), in the same codon has been reported in a patient with unspecified epilepsy (PMID: 30182498). However, this variant has not yet met the criteria to be classified as pathogenic or likely pathogenic by ClinGen Epilepsy Sodium Channel VCEP (PM5 not met). In summary, this variant meets the criteria to be classified as likely benign for SCN1A-related conditions (Dravet syndrome, Genetic Epilepsy with Febrile Seizures Plus and Developmental and Epileptic Encephalopathy) based on the ACMG/AMP criteria applied, as specified by the Epilepsy Sodium Channel VCEP: (BS1, PP3_mod). v1.0.0; 08/27/24

Centre for Medical Genetics,  Mumbai
Classification: VUS-high for Severe myoclonic epilepsy in infancy. Last evaluated: 2026-03-10. Review status: criteria provided, single submitter. Criteria: ACMG Guidelines, 2015. Collection method: provider interpretation. Allele origin: germline. Inheritance: Autosomal dominant inheritance. Affected: yes. Observed: 1 variant allele, 1 heterozygote. Not counted in ClinVar's aggregate classification.
Comment: The variant satisfies PM2 criteria; extremely low frequency in gnomAD population databases. The variant satisfies PP2 criteria; missense variant in a gene with low rate of benign missense mutations and for which missense mutation is a common mechanism of a disease. The variant satisfies PP3 criteria; for a missense or a splicing region variant, computational prediction tools unanimously support a deleterious effect on the gene. This relates to the clinical presentation of SCN1A gene variation. However, due to lack of sufficient clinical evidence, it should be considered as a variant of uncertain significance. According to the Bayesian framework, can be classified as a VUS-high.

Ambry Genetics
Classification: Uncertain significance for Inborn genetic diseases. Last evaluated: 2025-06-07. Review status: criteria provided, single submitter. Criteria: Ambry Variant Classification Scheme 2023. Collection method: clinical testing. Allele origin: germline. Not counted in ClinVar's aggregate classification.

Labcorp Genetics (formerly Invitae), Labcorp
Classification: Uncertain significance for Early-infantile DEE. Last evaluated: 2024-07-11. Review status: criteria provided, single submitter. Criteria: Invitae Variant Classification Sherloc (09022015). Collection method: clinical testing. Allele origin: germline. Not counted in ClinVar's aggregate classification.
Comment: This sequence change replaces arginine, which is basic and polar, with cysteine, which is neutral and slightly polar, at codon 560 of the SCN1A protein (p.Arg560Cys). This variant is present in population databases (rs768764142, gnomAD 0.004%). This variant has not been reported in the literature in individuals affected with SCN1A-related conditions. ClinVar contains an entry for this variant (Variation ID: 283885). Advanced modeling of protein sequence and biophysical properties (such as structural, functional, and spatial information, amino acid conservation, physicochemical variation, residue mobility, and thermodynamic stability) performed at Invitae indicates that this missense variant is expected to disrupt SCN1A protein function with a positive predictive value of 95%. In summary, the available evidence is currently insufficient to determine the role of this variant in disease. Therefore, it has been classified as a Variant of Uncertain Significance.

GeneDx
Classification: Uncertain significance. Last evaluated: 2019-05-23. Review status: criteria provided, single submitter. Criteria: GeneDx Variant Classification Process June 2021. Collection method: clinical testing. Allele origin: germline. Affected: yes. Not counted in ClinVar's aggregate classification.
Comment: Not observed at a significant frequency in large population cohorts (Lek et al., 2016); The majority of missense variants in this gene are considered pathogenic (Stenson et al., 2014); In silico analysis, which includes protein predictors and evolutionary conservation, supports a deleterious effect; Has not been previously published as pathogenic or benign to our knowledge; This substitution is predicted to be in the cytoplasmic loop between the first and second homologous domains

Eurofins Ntd Llc (ga)
Classification: Uncertain significance. Last evaluated: 2015-10-09. Review status: criteria provided, single submitter. Criteria: EGL Classification Definitions 2015. Collection method: clinical testing. Allele origin: germline. Observed: 4 variant alleles, 4 heterozygotes. Not counted in ClinVar's aggregate classification.

Literature cited by the submitters: PubMed 11359211 (cited by Centre for Medical Genetics,  Mumbai).